The following is an entry in ClinVar:

NM_020975.6(RET):c.1867G>C (p.Glu623Gln)

Gene: RET (ret proto-oncogene; plus strand). Cytogenetic location: 10q11.21.
Variant type: single nucleotide variant.
Coding change: c.1867G>C on transcript NM_020975.6 (MANE Select); coding-DNA position 1867, G replaced by C.
Protein change: p.Glu623Gln; replaces glutamic acid 623 with glutamine.
Molecular consequence: missense variant. On other transcripts: intron variant (2).
Genome position (GRCh38, 1-based): chr10:43,113,663, G>C. VCF-style: chr10-43113663-G-C. GRCh37 (hg19) VCF-style: chr10-43609111-G-C.
Other names: c.1105G>C, p.Glu369Gln (NM_001355216.2); c.1867G>C, p.Glu623Gln (NM_001406743.1, NM_001406744.1, NM_001406759.1 and 4 more transcripts); c.1738G>C, p.Glu580Gln (NM_001406761.1, NM_001406762.1, NM_001406764.1 and 1 more transcripts); c.1579G>C, p.Glu527Gln (NM_001406766.1, NM_001406767.1, NM_001406770.1); c.1471G>C, p.Glu491Gln (NM_001406769.1, NM_001406772.1); c.1429G>C, p.Glu477Gln (NM_001406771.1, NM_001406773.1); c.1342G>C, p.Glu448Gln (NM_001406774.1); c.1141G>C, p.Glu381Gln (NM_001406775.1, NM_001406776.1, NM_001406777.1 and 1 more transcripts); and 7 more; short protein forms E140Q, E228Q, E281Q, E293Q, E324Q, E369Q, E381Q, E448Q.
Identifiers: ClinVar variation 3345149 (VCV003345149.1).
Genomic context (GRCh38, chr10:43,113,663, plus strand): 5'-AAAGCTGGCTATGGCACCTGCAACTGCTTCCCTGAGGAGGAGAAGTGCTTCTGCGAGCCC[G>C]AAGACATCCAGGGTGAGTGGGTGGCGGCCGGGACCACCACCACCTCCCAGCCCCACAGAG-3'
Protein context (NP_066124.1, residues 613-633): PEEEKCFCEP[Glu623Gln]DIQDPLCDEL

ClinVar aggregate classification (germline): Uncertain significance (0 of 4 stars; one submission).

Conditions:
RET-related disorder. Also called: RET-related disorders; RET-related condition; RET-related disease.

Submission:

PreventionGenetics, part of Exact Sciences
Classification: Uncertain significance for RET-related condition. Last evaluated: 2024-06-26. Review status: no assertion criteria provided. Collection method: clinical testing. Allele origin: germline.
Comment: The RET c.1867G>C variant is predicted to result in the amino acid substitution p.Glu623Gln. To our knowledge, this variant has not been reported in the literature or in a large population database, indicating this variant is rare. At this time, the clinical significance of this variant is uncertain due to the absence of conclusive functional and genetic evidence.